The following is an entry in ClinVar:

NM_001164277.2(SLC37A4):c.977C>A (p.Ser326Tyr)

Gene: SLC37A4 (solute carrier family 37 member 4; minus strand). Cytogenetic location: 11q23.3.
Variant type: single nucleotide variant.
Coding change: c.977C>A on transcript NM_001164277.2 (MANE Select); coding-DNA position 977, C replaced by A.
Protein change: p.Ser326Tyr; replaces serine 326 with tyrosine.
Molecular consequence: missense variant.
Genome position (GRCh38, 1-based): chr11:119,025,974, G>T on the plus strand (C>A on the coding strand, the complement: SLC37A4 is on the minus strand). VCF-style: chr11-119025974-G-T. GRCh37 (hg19) VCF-style: chr11-118896684-G-T.
Other names: c.977C>A, p.Ser326Tyr (NM_001164278.2, NM_001164280.2, NM_001467.6); c.758C>A, p.Ser253Tyr (NM_001164279.2); short protein forms S326Y, S253Y.
Identifiers: ClinVar variation 937197 (VCV000937197.7), dbSNP rs1943553852, ClinGen allele CA382897144.

ClinVar aggregate classification (germline): Uncertain significance. Review status: criteria provided, multiple submitters, no conflicts (2 of 4 stars). 2 submissions from 2 submitters: Uncertain significance (2). Last evaluated 2025-02-09.

Conditions:
Glucose-6-phosphate transport defect (GSD1B). Also called: Glycogen Storage Disease Type Ib; GSD Ib. Identifiers: Orphanet 364, Orphanet 79259, MedGen C0268146, MONDO:0009288, OMIM 232220.
Phosphate transport defect (GSD1C). Also called: GLYCOGEN STORAGE DISEASE Ic; GSD Ic. Identifiers: Orphanet 364, Orphanet 79259, MedGen C0342749, OMIM 232240.
Congenital disorder of glycosylation, type IIw. Identifiers: MedGen C5561986, MONDO:0030437, OMIM 619525.

Allele frequency attached by ClinVar (database versions not stated): gnomAD exomes below 0.00001.

Submissions (2):

Labcorp Genetics (formerly Invitae), Labcorp
Classification: Uncertain significance for Glucose-6-phosphate transport defect. Last evaluated: 2025-02-09. Review status: criteria provided, single submitter. Criteria: Invitae Variant Classification Sherloc (09022015). Collection method: clinical testing. Allele origin: germline.
Comment: This sequence change replaces serine, which is neutral and polar, with tyrosine, which is neutral and polar, at codon 326 of the SLC37A4 protein (p.Ser326Tyr). This variant is not present in population databases (gnomAD no frequency). This variant has not been reported in the literature in individuals affected with SLC37A4-related conditions. ClinVar contains an entry for this variant (Variation ID: 937197). Invitae Evidence Modeling of protein sequence and biophysical properties (such as structural, functional, and spatial information, amino acid conservation, physicochemical variation, residue mobility, and thermodynamic stability) has been performed for this missense variant. However, the output from this modeling did not meet the statistical confidence thresholds required to predict the impact of this variant on SLC37A4 protein function. In summary, the available evidence is currently insufficient to determine the role of this variant in disease. Therefore, it has been classified as a Variant of Uncertain Significance.

Fulgent Genetics
Classification: Uncertain significance for Glucose-6-phosphate transport defect; Phosphate transport defect; Congenital disorder of glycosylation, type IIw. Last evaluated: 2021-10-08. Review status: criteria provided, single submitter. Criteria: ACMG Guidelines, 2015. Collection method: clinical testing. Allele origin: unknown.